The following is an entry in ClinVar:

NM_000368.5(TSC1):c.3289C>A (p.Arg1097Ser)

Gene: TSC1 (TSC complex subunit 1; minus strand). Cytogenetic location: 9q34.13.
Variant type: single nucleotide variant.
Coding change: c.3289C>A on transcript NM_000368.5 (MANE Select); coding-DNA position 3289, C replaced by A.
Protein change: p.Arg1097Ser; replaces arginine 1097 with serine.
Molecular consequence: missense variant. On other transcripts: non-coding transcript variant (5).
Genome position (GRCh38, 1-based): chr9:132,896,441, G>T on the plus strand (C>A on the coding strand, the complement: TSC1 is on the minus strand). VCF-style: chr9-132896441-G-T. GRCh37 (hg19) VCF-style: chr9-135771828-G-T.
Other names: c.3289C>A, p.Arg1097Ser (NM_001406595.1, NM_001406596.1, NM_001406592.1 and 2 more transcripts); c.3286C>A, p.Arg1096Ser (NM_001406597.1, NM_001406598.1, NM_001406599.1 and 2 more transcripts); c.3274C>A, p.Arg1092Ser (NM_001406601.1, NM_001406602.1); c.3271C>A, p.Arg1091Ser (NM_001406603.1, NM_001406604.1); c.3247C>A, p.Arg1083Ser (NM_001406605.1, NM_001406606.1, NM_001406607.1); c.3244C>A, p.Arg1082Ser (NM_001406608.1, NM_001406609.1); c.3136C>A, p.Arg1046Ser (NM_001406610.1, NM_001162427.2); c.3133C>A, p.Arg1045Ser (NM_001406611.1, NM_001406612.1); and 8 more; short protein forms R1031S, R1045S, R1046S, R1082S, R1083S, R1091S, R1092S, R1096S.
Identifiers: ClinVar variation 4756381 (VCV004756381.1).

ClinVar aggregate classification (germline): Uncertain significance (1 of 4 stars; one submission).

Conditions:
Tuberous sclerosis syndrome (TSC). Also called: Tuberous Sclerosis Complex; Tuberous sclerosis. Identifiers: Orphanet 805, MedGen C0041341, MONDO:0001734.

Submission:

Color Diagnostics, LLC DBA Color Health
Classification: Uncertain significance for Tuberous sclerosis syndrome. Last evaluated: 2025-09-23. Review status: criteria provided, single submitter. Criteria: ACMG Guidelines, 2015. Collection method: clinical testing. Allele origin: germline.
Comment: This missense variant replaces arginine with serine at codon 1097 of the TSC1 protein. Computational prediction is inconclusive regarding the impact of this variant on protein structure and function. To our knowledge, functional studies have not been reported for this variant. This variant has not been reported in individuals affected with TSC1-related disorders in the literature. This variant has not been identified in the general population by the Genome Aggregation Database (gnomAD). The available evidence is insufficient to determine the role of this variant in disease conclusively. Therefore, this variant is classified as a Variant of Uncertain Significance.